The following is an entry in ClinVar:

ClinVar aggregate classification (germline): Uncertain significance (1 of 4 stars; one submission).

Conditions:
Charcot-Marie-Tooth Neuropathy X. Identifiers: MedGen CN118851.
Combined oxidative phosphorylation deficiency. Identifiers: MedGen C4540031, MONDO:0000732.

Submission:

Labcorp Genetics (formerly Invitae), Labcorp
Classification: Uncertain significance for Charcot-Marie-Tooth Neuropathy X; Combined oxidative phosphorylation deficiency. Last evaluated: 2022-09-23. Review status: criteria provided, single submitter. Criteria: Invitae Variant Classification Sherloc (09022015). Collection method: clinical testing. Allele origin: germline.
Comment: A gross deletion of the genomic region encompassing the full coding sequence of the AIFM1 gene has been identified. The current clinical and genetic evidence is not sufficient to establish whether loss-of-function variants in AIFM1 cause disease. The boundaries of this event are unknown as they extend beyond the assayed region for this gene and therefore may encompass additional genes. This variant has not been reported in the literature in individuals affected with AIFM1-related conditions. In summary, the available evidence is currently insufficient to determine the role of this variant in disease. Therefore, it has been classified as a Variant of Uncertain Significance.

NC_000023.10:g.(?_129263532)_(129299630_?)del

Gene: AIFM1 (apoptosis inducing factor mitochondria associated 1; minus strand). Cytogenetic location: Xq26.1.
Variant type: Deletion.
Identifiers: ClinVar variation 2425038 (VCV002425038.3).